The following is an entry in ClinVar:

ClinVar aggregate classification (germline): Pathogenic (1 of 4 stars; one submission).

Conditions:
Primary ciliary dyskinesia 9. Also called: CILIARY DYSKINESIA, PRIMARY, 9, WITH OR WITHOUT SITUS INVERSUS. Identifiers: Orphanet 244, MedGen C2676235, MONDO:0012906, OMIM 612444.

Submission:

Myriad Genetics, Inc.
Classification: Pathogenic for Primary ciliary dyskinesia 9. Last evaluated: 2024-05-14. Review status: criteria provided, single submitter. Criteria: Myriad Autosomal Dominant, Autosomal Recessive and X-Linked Classification Criteria (2023). Collection method: clinical testing. Allele origin: unknown.
Comment: NM_023036.4(DNAI2):c.758_759ins16(E254Cfs*3) is expected to be pathogenic in the context of primary ciliary dyskinesia, DNAI2-related. This variant is predicted to lead to an abnormal or absent protein product due to the creation of a premature termination codon in DNAI2, a gene where loss-of-function variants are known to be pathogenic. Please note: this variant was assessed in the context of healthy population screening.

NM_023036.6(DNAI2):c.758_759insATGTGTATAAGAGACA (p.Ala253_Glu254insCysValTer)

Gene: DNAI2 (dynein axonemal intermediate chain 2; plus strand). Cytogenetic location: 17q25.1.
Variant type: Insertion.
Coding change: c.758_759insATGTGTATAAGAGACA on transcript NM_023036.6 (MANE Select); coding-DNA positions 758 to 759, ATGTGTATAAGAGACA inserted.
Protein change: p.Ala253_Glu254insCysValTer.
Molecular consequence: nonsense. On other transcripts: non-coding transcript variant (1).
Genome position: GRCh38 VCF-style: chr17-74299751-C-CATGTGTATAAGAGACA. GRCh37 (hg19) VCF-style: chr17-72295890-C-CATGTGTATAAGAGACA.
Other names: c.758_759insATGTGTATAAGAGACA, p.Ala253_Glu254insCysValTer (NM_001172810.3, NM_001353167.2).
Identifiers: ClinVar variation 5010941 (VCV005010941.1).